The following is an entry in ClinVar:

NM_006509.4(RELB):c.220G>A (p.Gly74Ser)

Gene: RELB (RELB proto-oncogene, NF-kB subunit; plus strand). Cytogenetic location: 19q13.32.
Variant type: single nucleotide variant.
Coding change: c.220G>A on transcript NM_006509.4 (MANE Select); coding-DNA position 220, G replaced by A.
Protein change: p.Gly74Ser; replaces glycine 74 with serine.
Molecular consequence: missense variant.
Genome position (GRCh38, 1-based): chr19:45,011,992, G>A. VCF-style: chr19-45011992-G-A. GRCh37 (hg19) VCF-style: chr19-45515250-G-A.
Other names: c.211G>A, p.Gly71Ser (NM_001411087.1); short protein forms G74S, G71S.
Identifiers: ClinVar variation 4760505 (VCV004760505.1).

ClinVar aggregate classification (germline): Uncertain significance (1 of 4 stars; one submission).

Submission:

Labcorp Genetics (formerly Invitae), Labcorp
Classification: Uncertain significance. Last evaluated: 2025-02-15. Review status: criteria provided, single submitter. Criteria: Invitae Variant Classification Sherloc (09022015). Collection method: clinical testing. Allele origin: germline.
Comment: This sequence change replaces glycine, which is neutral and non-polar, with serine, which is neutral and polar, at codon 74 of the RELB protein (p.Gly74Ser). This variant is not present in population databases (gnomAD no frequency). This variant has not been reported in the literature in individuals affected with RELB-related conditions. An algorithm developed to predict the effect of missense changes on protein structure and function (PolyPhen-2) suggests that this variant is likely to be tolerated. In summary, the available evidence is currently insufficient to determine the role of this variant in disease. Therefore, it has been classified as a Variant of Uncertain Significance.